The following is an entry in ClinVar:

NM_000159.4(GCDH):c.1205G>A (p.Arg402Gln)

Gene: GCDH (glutaryl-CoA dehydrogenase; plus strand). Cytogenetic location: 19p13.13.
Variant type: single nucleotide variant.
Coding change: c.1205G>A on transcript NM_000159.4 (MANE Select); coding-DNA position 1205, G replaced by A.
Protein change: p.Arg402Gln; replaces arginine 402 with glutamine.
Molecular consequence: missense variant. On other transcripts: non-coding transcript variant (2).
Genome position (GRCh38, 1-based): chr19:12,897,825, G>A. VCF-style: chr19-12897825-G-A. GRCh37 (hg19) VCF-style: chr19-13008639-G-A.
Other names: c.1205G>A, p.Arg402Gln (NM_013976.5); short protein forms R402Q.
Identifiers: ClinVar variation 189011 (VCV000189011.24), dbSNP rs786204626, ClinGen allele CA274253.
Genomic context (GRCh38, chr19:12,897,825, plus strand): 5'-CCCGCCAGGCCCGAGACATGCTGGGGGGGAATGGGATTTCTGACGAGTATCACGTGATCC[G>A]GCACGCCATGAACCTGGAGGCCGTGAACACCTACGAAGGTAGGAGCTGGACCTCAGAGGG-3'
Protein context (NP_000150.1, residues 392-412): NGISDEYHVI[Arg402Gln]HAMNLEAVNT

ClinVar aggregate classification (germline): Pathogenic/Likely pathogenic. Review status: criteria provided, multiple submitters, no conflicts (2 of 4 stars). 7 submissions from 7 submitters: Pathogenic (5); Likely pathogenic (1). 1 of the submissions does not count toward it. Last evaluated 2025-10-01.

Conditions:
Glutaric aciduria, type 1. Also called: Glutaric acidemia type I; Glutaricacidemia Type 1; Glutaryl-CoA dehydrogenase deficiency; Glutaricaciduria, type I; Glutaric Acidemia Type 1; GA I. Identifiers: Orphanet 25, MedGen C0268595, MONDO:0009281, OMIM 231670.

Allele frequency attached by ClinVar (database versions not stated): gnomAD exomes below 0.00001; TOPMed below 0.00001.
gnomAD v4.1: 7 of 1,613,992 alleles (0.00043%); highest among the groups gnomAD compares: Middle Eastern, 0.016%; no homozygotes.

Submissions (7):

3billion
Classification: Pathogenic for Glutaric aciduria, type 1. Last evaluated: 2025-10-01. Review status: criteria provided, single submitter. Criteria: ACMG Guidelines, 2015. Collection method: clinical testing. Allele origin: germline. Affected: yes.
Comment: The variant is observed at an extremely low frequency in the gnomAD v4.1.0 dataset (total allele frequency: <0.001%). Predicted Consequence/Location: The variant is located in a mutational hot spot and/or well-established functional domain in which established pathogenic variants have been reported. In silico tool predictions suggest damaging effect of the variant on gene or gene product [REVEL: 0.98 (>=0.6, sensitivity 0.68 and specificity 0.92); 3Cnet: 0.92 (> 0.75, sensitivity 0.96 and precision 0.92)]. The same nucleotide change resulting in the same amino acid change has been previously reported as pathogenic/likely pathogenic with strong evidence (ClinVar ID: VCV000189011 /PMID: 9711871). Different missense changes at the same codon (p.Arg402Gly, p.Arg402Pro, p.Arg402Trp) have been reported as pathogenic/likely pathogenic with strong evidence (ClinVar ID: VCV000002085, VCV002906270, VCV003233788 /PMID: 32240488, 8900227 /3billion dataset). Therefore, this variant is classified as Pathogenic according to the recommendation of ACMG/AMP guideline.

Natera, Inc.
Classification: Pathogenic for Glutaric acidemia type 1. Last evaluated: 2024-04-24. Review status: criteria provided, single submitter. Criteria: Natera Variant Classification Schema (03/2026). Collection method: clinical testing. Allele origin: germline.
Comment: The c.1205G>A variant in GCDH is a missense variant predicted to cause substitution of arginine to glutamine at amino acid 402. This variant is rare in the general population with a frequency below the threshold expected for the associated phenotype(s). This variant has been observed in one or more individuals affected with the associated recessive disease, as either homozygous or compound heterozygous with a second variant (PMID: 15505393, 10699052, 31062211, 35367405, 24332224). Functional studies show that this variant may disrupt protein function (PMID: 15505393). A different variant at the same position has been determined to be Pathogenic or Likely Pathogenic. Computational prediction algorithms indicate this variant is likely to affect gene or protein function. Given the available evidence, this variant is classified as Pathogenic.

Fulgent Genetics
Classification: Pathogenic for Glutaric aciduria, type 1. Last evaluated: 2024-02-15. Review status: criteria provided, single submitter. Criteria: ACMG Guidelines, 2015. Collection method: clinical testing. Allele origin: germline.

Labcorp Genetics (formerly Invitae), Labcorp
Classification: Pathogenic for Glutaric aciduria, type 1. Last evaluated: 2023-10-30. Review status: criteria provided, single submitter. Criteria: Invitae Variant Classification Sherloc (09022015). Collection method: clinical testing. Allele origin: germline.
Comment: This sequence change replaces arginine, which is basic and polar, with glutamine, which is neutral and polar, at codon 402 of the GCDH protein (p.Arg402Gln). The frequency data for this variant in the population databases is considered unreliable, as metrics indicate poor data quality at this position in the gnomAD database. This missense change has been observed in individual(s) with Glutaric acidemia type 1 (PMID: 15505393, 24332224). ClinVar contains an entry for this variant (Variation ID: 189011). Advanced modeling of protein sequence and biophysical properties (such as structural, functional, and spatial information, amino acid conservation, physicochemical variation, residue mobility, and thermodynamic stability) performed at Invitae indicates that this missense variant is expected to disrupt GCDH protein function with a positive predictive value of 80%. This variant disrupts the p.Arg402 amino acid residue in GCDH. Other variant(s) that disrupt this residue have been determined to be pathogenic (PMID: 8900227, 10649503, 11073722, 20732827, 28352331, 28438223). This suggests that this residue is clinically significant, and that variants that disrupt this residue are likely to be disease-causing. For these reasons, this variant has been classified as Pathogenic.

Laboratory for Molecular Medicine, Mass General Brigham Personalized Medicine
Classification: Pathogenic for Glutaric aciduria, type 1. Last evaluated: 2022-11-03. Review status: criteria provided, single submitter. Criteria: ACMG Guidelines, 2015. Collection method: clinical testing. Allele origin: germline.
Comment: The p.Arg402Gln variant in GCDH has been reported in at least 5 homozygous and 1 compound heterozygous individuals with Glutaric acidemia type 1 (Christensen 2004 PMID: 15505393, Goodman 1998 PMID: 9711871, Tamhankar 2021 PMID: 34504725, Wang 2014 PMID: 24332224, Baradaran 2014 PMID: 25204480). This variant has also been reported in ClinVar (Variation ID 189011) but was absent from large population studies. Computational prediction tools and conservation analyses suggest that this variant may impact the protein, though this information is not predictive enough to determine pathogenicity. In vitro functional studie (using patients' tissues) support an impact on protein function (Wang 2014 PMID: 24332224). Another variant involving this codon (p.Arg402Trp) has been identified in numerous individuals with glutaric aciduria type I (ClinVar variation ID 2085) and is classified as pathogenic by this laboratory. In summary, this variant meets criteria to be classified as pathogenic for autosomal recessive glutaric aciduria type I. ACMG/AMP Criteria applied: PM2_Supporting, PM5, PS3_Supporting, PP3, PM3_Strong.

Genomic Research Center, Shahid Beheshti University of Medical Sciences
Classification: Likely pathogenic for Glutaric aciduria, type 1. Last evaluated: 2018-08-07. Review status: criteria provided, single submitter. Criteria: ACMG Guidelines, 2015. Collection method: clinical testing. Allele origin: inherited. Affected: yes. Observed: 1 variant allele.

Counsyl
Classification: Likely pathogenic for Glutaric aciduria, type 1. Last evaluated: 2014-10-14. Review status: no assertion criteria provided. Collection method: literature only. Allele origin: unknown. Inheritance: Autosomal recessive inheritance. Not counted in ClinVar's aggregate classification.

Literature cited by the submitters: PubMed 32240488 (cited by 3billion); PubMed 9711871 (cited by 3billion and Counsyl); PubMed 15505393 (cited by 3 submitters); PubMed 10699052 (cited by Natera, Inc.); PubMed 31062211 (cited by Natera, Inc.); PubMed 35367405 (cited by Natera, Inc.); PubMed 24332224 (cited by 3 submitters); PubMed 8900227 (cited by Labcorp Genetics (formerly Invitae), Labcorp); PubMed 10649503 (cited by Labcorp Genetics (formerly Invitae), Labcorp); PubMed 11073722 (cited by Labcorp Genetics (formerly Invitae), Labcorp); PubMed 20732827 (cited by Labcorp Genetics (formerly Invitae), Labcorp); PubMed 28352331 (cited by Labcorp Genetics (formerly Invitae), Labcorp); PubMed 28438223 (cited by Labcorp Genetics (formerly Invitae), Labcorp); PubMed 25204480 (cited by Counsyl).